The following is an entry in ClinVar:

ClinVar aggregate classification (germline): Pathogenic (1 of 4 stars; one submission).

Submission:

Labcorp Genetics (formerly Invitae), Labcorp
Classification: Pathogenic. Last evaluated: 2021-05-14. Review status: criteria provided, single submitter. Criteria: Invitae Variant Classification Sherloc (09022015). Collection method: clinical testing. Allele origin: germline.
Comment: For these reasons, this variant has been classified as Pathogenic. This variant has been observed in individual(s) with clinical features of KIF11-related conditions (Invitae). In at least one individual the variant was observed to be de novo. This variant is a gross deletion of the genomic region encompassing exon(s) 13-14 of the KIF11 gene. This variant would be expected to be in-frame, preserving the integrity of the reading frame.

NC_000010.10:g.(?_94392223)_(94393572_?)del

Gene: KIF11 (kinesin family member 11; plus strand). Cytogenetic location: 10q23.33.
Variant type: Deletion.
Identifiers: ClinVar variation 1459635 (VCV001459635.6).